The following is an entry in ClinVar:

ClinVar aggregate classification (germline): Uncertain significance (1 of 4 stars; one submission).

Conditions:
L-2-hydroxyglutaric aciduria (L2HGA). Identifiers: Orphanet 79314, MedGen C1855995, MONDO:0009370, OMIM 236792, HP:0040144.

Allele frequency attached by ClinVar (database versions not stated): ExAC 0.00002; gnomAD exomes 0.00002 and 0.00004; TOPMed 0.00002; gnomAD 0.00003 and 0.00004.

Submission:

Labcorp Genetics (formerly Invitae), Labcorp
Classification: Uncertain significance for L-2-hydroxyglutaric aciduria. Last evaluated: 2022-02-05. Review status: criteria provided, single submitter. Criteria: Invitae Variant Classification Sherloc (09022015). Collection method: clinical testing. Allele origin: germline.
Comment: This variant is present in population databases (rs750803606, gnomAD 0.02%). This sequence change replaces arginine, which is basic and polar, with tryptophan, which is neutral and slightly polar, at codon 307 of the L2HGDH protein (p.Arg307Trp). This variant has not been reported in the literature in individuals affected with L2HGDH-related conditions. In summary, the available evidence is currently insufficient to determine the role of this variant in disease. Therefore, it has been classified as a Variant of Uncertain Significance. Algorithms developed to predict the effect of missense changes on protein structure and function (SIFT, PolyPhen-2, Align-GVGD) all suggest that this variant is likely to be disruptive.

NM_024884.3(L2HGDH):c.919C>T (p.Arg307Trp)

Gene: L2HGDH (L-2-hydroxyglutarate dehydrogenase; minus strand). Cytogenetic location: 14q21.3.
Variant type: single nucleotide variant.
Coding change: c.919C>T on transcript NM_024884.3 (MANE Select); coding-DNA position 919, C replaced by T.
Protein change: p.Arg307Trp; replaces arginine 307 with tryptophan.
Molecular consequence: missense variant.
Genome position (GRCh38, 1-based): chr14:50,267,898, G>A on the plus strand (C>T on the coding strand, the complement: L2HGDH is on the minus strand). VCF-style: chr14-50267898-G-A. GRCh37 (hg19) VCF-style: chr14-50734616-G-A.
Other names: short protein forms R307W.
Identifiers: ClinVar variation 1510676 (VCV001510676.8), dbSNP rs750803606, ClinGen allele CA7177839.